The following is an entry in ClinVar:

NM_000263.4(NAGLU):c.1639G>A (p.Ala547Thr)

Gene: NAGLU (N-acetyl-alpha-glucosaminidase; plus strand). Cytogenetic location: 17q21.2.
Variant type: single nucleotide variant.
Coding change: c.1639G>A on transcript NM_000263.4 (MANE Select); coding-DNA position 1639, G replaced by A.
Protein change: p.Ala547Thr; replaces alanine 547 with threonine.
Molecular consequence: missense variant.
Genome position (GRCh38, 1-based): chr17:42,543,645, G>A. VCF-style: chr17-42543645-G-A. GRCh37 (hg19) VCF-style: chr17-40695663-G-A.
Other names: short protein forms A547T.
Identifiers: ClinVar variation 2071859 (VCV002071859.2), dbSNP rs746486630, ClinGen allele CA8577067.
Genomic context (GRCh38, chr17:42,543,645, plus strand): 5'-ACCAGCATCTGGTACAACCGATCTGATGTGTTTGAGGCCTGGCGGCTGCTGCTCACATCT[G>A]CTCCCTCCCTGGCCACCAGCCCCGCCTTCCGCTACGACCTGCTGGACCTCACTCGGCAGG-3'
Protein context (NP_000254.2, residues 537-557): FEAWRLLLTS[Ala547Thr]PSLATSPAFR

ClinVar aggregate classification (germline): Uncertain significance (1 of 4 stars; one submission).

Conditions:
Charcot-Marie-Tooth disease axonal type 2V. Also called: CHARCOT-MARIE-TOOTH NEUROPATHY, TYPE 2V; CHARCOT-MARIE-TOOTH DISEASE, AXONAL, AUTOSOMAL DOMINANT, TYPE 2V. Identifiers: Orphanet 447964, MedGen C5569050, MONDO:0014665, OMIM 616491.
Mucopolysaccharidosis, MPS-III-B (MPS3B). Also called: N-ACETYL-ALPHA-D-GLUCOSAMINIDASE DEFICIENCY; NAGLU DEFICIENCY; SANFILIPPO SYNDROME B; MPS III B; MUCOPOLYSACCHARIDOSIS, TYPE IIIB; MPS IIIB (Sanfilippo Syndrome Type B). Identifiers: Orphanet 79270, MedGen C0086648, MONDO:0009656, OMIM 252920.

Allele frequency attached by ClinVar (database versions not stated): TOPMed 0.00001; gnomAD 0.00001; ExAC 0.00001.

Submission:

Labcorp Genetics (formerly Invitae), Labcorp
Classification: Uncertain significance for Charcot-Marie-Tooth disease axonal type 2V; Mucopolysaccharidosis, MPS-III-B. Last evaluated: 2024-10-23. Review status: criteria provided, single submitter. Criteria: Invitae Variant Classification Sherloc (09022015). Collection method: clinical testing. Allele origin: germline.
Comment: This sequence change replaces alanine, which is neutral and non-polar, with threonine, which is neutral and polar, at codon 547 of the NAGLU protein (p.Ala547Thr). This variant is present in population databases (rs746486630, gnomAD 0.01%). This variant has not been reported in the literature in individuals affected with NAGLU-related conditions. ClinVar contains an entry for this variant (Variation ID: 2071859). An algorithm developed to predict the effect of missense changes on protein structure and function outputs the following: PolyPhen-2: "Benign". The threonine amino acid residue is found in multiple mammalian species, which suggests that this missense change does not adversely affect protein function. In summary, the available evidence is currently insufficient to determine the role of this variant in disease. Therefore, it has been classified as a Variant of Uncertain Significance.